The following is an entry in ClinVar:

NM_033124.5(DRC2):c.326C>T (p.Ala109Val)

Gene: DRC2 (dynein regulatory complex subunit 2; plus strand). Cytogenetic location: 12q13.12.
Variant type: single nucleotide variant.
Coding change: c.326C>T on transcript NM_033124.5 (MANE Select); coding-DNA position 326, C replaced by T.
Protein change: p.Ala109Val; replaces alanine 109 with valine.
Molecular consequence: missense variant. On other transcripts: 5 prime UTR variant (1).
Genome position (GRCh38, 1-based): chr12:48,914,429, C>T. VCF-style: chr12-48914429-C-T. GRCh37 (hg19) VCF-style: chr12-49308212-C-T.
Other names: c.-104C>T (NM_001286957.2); short protein forms A109V.
Identifiers: ClinVar variation 970876 (VCV000970876.8), dbSNP rs139828323, ClinGen allele CA6543210.

ClinVar aggregate classification (germline): Uncertain significance. Review status: criteria provided, multiple submitters, no conflicts (2 of 4 stars). 3 submissions from 3 submitters: Uncertain significance (3). Last evaluated 2022-06-22.

Conditions:
Inborn genetic diseases. Identifiers: MedGen C0950123, MeSH D030342.
Primary ciliary dyskinesia 27. Also called: CILIARY DYSKINESIA, PRIMARY, 27, WITHOUT SITUS INVERSUS. Identifiers: Orphanet 244, MedGen C3809701, MONDO:0014215, OMIM 615504.

Allele frequency attached by ClinVar (database versions not stated): 1000 Genomes Project 0.00020; gnomAD exomes 0.00020 and 0.00024; TOPMed 0.00020; ExAC 0.00024; gnomAD 0.00028 and 0.00029; ESP Exome Variant Server 0.00031; 1000 Genomes Project 30x 0.00047.
gnomAD v4.1: 386 of 1,612,684 alleles (0.024%); highest among the groups gnomAD compares: Non-Finnish European, 0.031%; 1 homozygote.

Submissions (3):

Labcorp Genetics (formerly Invitae), Labcorp
Classification: Uncertain significance for Primary ciliary dyskinesia 27. Last evaluated: 2022-06-22. Review status: criteria provided, single submitter. Criteria: Invitae Variant Classification Sherloc (09022015). Collection method: clinical testing. Allele origin: germline.
Comment: This sequence change replaces alanine, which is neutral and non-polar, with valine, which is neutral and non-polar, at codon 109 of the CCDC65 protein (p.Ala109Val). This variant is present in population databases (rs139828323, gnomAD 0.04%). This variant has not been reported in the literature in individuals affected with CCDC65-related conditions. ClinVar contains an entry for this variant (Variation ID: 970876). Algorithms developed to predict the effect of missense changes on protein structure and function are either unavailable or do not agree on the potential impact of this missense change (SIFT: "Tolerated"; PolyPhen-2: "Probably Damaging"; Align-GVGD: "Class C0"). In summary, the available evidence is currently insufficient to determine the role of this variant in disease. Therefore, it has been classified as a Variant of Uncertain Significance.

Fulgent Genetics
Classification: Uncertain significance for Primary ciliary dyskinesia 27. Last evaluated: 2021-10-19. Review status: criteria provided, single submitter. Criteria: ACMG Guidelines, 2015. Collection method: clinical testing. Allele origin: unknown.

Ambry Genetics
Classification: Uncertain significance for Inborn genetic diseases. Last evaluated: 2021-07-09. Review status: criteria provided, single submitter. Criteria: Ambry Variant Classification Scheme 2023. Collection method: clinical testing. Allele origin: germline.